The following is an entry in ClinVar:

ClinVar aggregate classification (germline): Uncertain significance (1 of 4 stars; one submission).

Conditions:
Basal laminar drusen. Also called: DRUSEN OF BRUCH MEMBRANE; DRUSEN, CUTICULAR; DRUSEN, EARLY ADULT-ONSET, GROUPED. Identifiers: Orphanet 75376, MedGen C0730295, MONDO:0007472, OMIM 126700.
Age related macular degeneration 4. Identifiers: MedGen C1853147, MONDO:0012540, OMIM 610698.

Submission:

Genomenon, Inc
Classification: Uncertain significance for Basal laminar drusen; Age related macular degeneration 4. Last evaluated: 2025-10-02. Review status: criteria provided, single submitter. Criteria: Genomenon Sequence Variant Interpretation Standards - Updated. Collection method: curation. Allele origin: germline. Affected: yes.
Comment: CFH c.1697-17_1697-8del is a deletion variant located in intron 11. This variant has been observed in at least one proband affected with a CFH-related disorder (PMID:22491393;36246952;34508573). It is absent or not present at a significant frequency in gnomAD. In conclusion, we classify CFH c.1697-17_1697-8del as a variant of uncertain significance.

Literature cited by the submitters: PubMed 22491393; PubMed 36246952; PubMed 34508573.

NM_000186.4(CFH):c.1697-17_1697-8del

Gene: CFH (complement factor H; plus strand). Cytogenetic location: 1q31.3.
Variant type: Deletion.
Coding change: c.1697-17_1697-8del on transcript NM_000186.4 (MANE Select); 17 bases into the intron before coding-DNA position 1697 through 8 bases into the intron before coding-DNA position 1697, 10 bases deleted (ATTTTACCTT; older notation c.1697-17_1697-8delATTTTACCTT).
Molecular consequence: intron variant.
Genome position (GRCh38, 1-based): chr1:196,725,104-196,725,113, ATTTTACCTT deleted; deleting any 10 consecutive bases within chr1:196,725,102-196,725,113 gives the same sequence; the c. name uses the placement nearest the transcript's 3' end. VCF-style (leftmost placement, unchanged base first): chr1-196725101-ATTATTTTACC-A. GRCh37 (hg19) VCF-style: chr1-196694231-ATTATTTTACC-A.
Identifiers: ClinVar variation 4291413 (VCV004291413.1).